The following is an entry in ClinVar:

NC_000006.12:g.(?_63864176)_(63999193_?)del

Gene: EYS (eyes shut homolog; minus strand). Cytogenetic location: 6q12.
Variant type: Deletion.
Identifiers: ClinVar variation 831550 (VCV000831550.4).

ClinVar aggregate classification (germline): Pathogenic (1 of 4 stars; one submission).

Submission:

Labcorp Genetics (formerly Invitae), Labcorp
Classification: Pathogenic. Last evaluated: 2019-06-14. Review status: criteria provided, single submitter. Criteria: Invitae Variant Classification Sherloc (09022015). Collection method: clinical testing. Allele origin: germline.
Comment: This variant is an out-of-frame deletion of the genomic region encompassing exons 34-36 of the EYS gene. This is expected to create a premature translational stop signal and result in an absent or disrupted protein product. This variant has not been reported in the literature in individuals with EYS-related conditions. Loss-of-function variants in EYS are known to be pathogenic (PMID: 18836446, 20333770). For these reasons, this variant has been classified as Pathogenic.

Literature cited by the submitters: PubMed 18836446; PubMed 20333770.